The following is an entry in ClinVar:

NM_001039570.3(KREMEN1):c.-4del

Genes: C22orf31 (chromosome 22 open reading frame 31; minus strand), KREMEN1 (kringle containing transmembrane protein 1; plus strand). Cytogenetic location: 22q12.1.
Variant type: Deletion.
Coding change: c.-4del on transcript NM_001039570.3 (MANE Select); 4 bases upstream of the start codon, one base deleted (G; older notation c.-4delG).
Molecular consequence: 5 prime UTR variant. On other transcripts: intron variant (1).
Genome position (GRCh38, 1-based): chr22:29,073,127, G deleted; the last of 2 consecutive G bases (chr22:29,073,126-29,073,127); deleting either gives the same sequence. VCF-style (leftmost placement, unchanged base first): chr22-29073125-CG-C. GRCh37 (hg19) VCF-style: chr22-29469113-CG-C.
Other names: c.-4del (NM_032045.5); c.-121+751del (NM_001386866.1).
Identifiers: ClinVar variation 2576945 (VCV002576945.1), dbSNP rs1030876969, ClinGen allele CA323019406.

ClinVar aggregate classification (germline): Uncertain significance (1 of 4 stars; one submission).

Submission:

GeneDx
Classification: Uncertain significance. Last evaluated: 2023-02-18. Review status: criteria provided, single submitter. Criteria: GeneDx Variant Classification Process June 2021. Collection method: clinical testing. Allele origin: germline. Affected: yes.
Comment: Has not been previously published as pathogenic or benign to our knowledge; Located in a region that tolerates variation and lacks pathogenic variants